The following is an entry in ClinVar:

NM_000137.4(FAH):c.831G>A (p.Pro277=)

Gene: FAH (fumarylacetoacetate hydrolase; plus strand). Cytogenetic location: 15q25.1.
Variant type: single nucleotide variant.
Coding change: c.831G>A on transcript NM_000137.4 (MANE Select); coding-DNA position 831, G replaced by A.
Protein change: p.Pro277=; no amino-acid change (proline 277 retained).
Molecular consequence: synonymous variant.
Genome position (GRCh38, 1-based): chr15:80,173,138, G>A. VCF-style: chr15-80173138-G-A. GRCh37 (hg19) VCF-style: chr15-80465480-G-A.
Other names: p.Pro277=; c.831G>A, p.Pro277= (NM_001374377.1, NM_001374380.1); c.831G>A (NM_000137.3).
Identifiers: ClinVar variation 290848 (VCV000290848.20), dbSNP rs372980573, ClinGen allele CA7691347.

ClinVar aggregate classification (germline): Conflicting classifications of pathogenicity. Review status: criteria provided, conflicting classifications (1 of 4 stars). 5 submissions from 5 submitters: Uncertain significance (1); Likely benign (3). 1 of the submissions does not count toward it. Last evaluated 2026-01-20.

Conditions:
Tyrosinemia type I (TYRSN1). Also called: Tyrosinemia type 1; Fumarylacetoacetase deficiency; Deficiency of fumarylacetoacetase; FAH DEFICIENCY; HEPATORENAL TYROSINEMIA. Identifiers: Orphanet 882, MedGen C0268490, MONDO:0010161, OMIM 276700. Disease mechanism: loss of function.

Allele frequency attached by ClinVar (database versions not stated): ESP Exome Variant Server 0.00008; gnomAD exomes 0.00019 and 0.00031; gnomAD 0.00022 and 0.00024; TOPMed 0.00026; ExAC 0.00030.
gnomAD v4.1: 326 of 1,614,078 alleles (0.02%); highest among the groups gnomAD compares: Admixed American, 0.03%; no homozygotes.

Submissions (5):

Labcorp Genetics (formerly Invitae), Labcorp
Classification: Likely benign for Tyrosinemia type I. Last evaluated: 2026-01-20. Review status: criteria provided, single submitter. Criteria: Invitae Variant Classification Sherloc (09022015). Collection method: clinical testing. Allele origin: germline.

Mayo Clinic Laboratories, Mayo Clinic
Classification: Likely benign. Last evaluated: 2025-07-15. Review status: criteria provided, single submitter. Criteria: ACMG Guidelines, 2015. Collection method: clinical testing. Allele origin: germline. Observed: 2 variant alleles.
Comment: BP4, BP7

Blueprint Genetics
Classification: Likely benign. Last evaluated: 2024-11-06. Review status: criteria provided, single submitter. Criteria: ACMG Guidelines, 2015. Collection method: clinical testing. Allele origin: germline.

Eurofins Ntd Llc (ga)
Classification: Uncertain significance. Last evaluated: 2017-11-08. Review status: criteria provided, single submitter. Criteria: EGL Classification Definitions 2015. Collection method: clinical testing. Allele origin: germline. Observed: 2 variant alleles, 2 heterozygotes.

Natera, Inc.
Classification: Likely benign for Tyrosinemia type I. Last evaluated: 2021-02-18. Review status: no assertion criteria provided. Collection method: clinical testing. Allele origin: germline. Not counted in ClinVar's aggregate classification.